The following is an entry in ClinVar:

NM_003383.5(VLDLR):c.1646T>A (p.Phe549Tyr)

Gene: VLDLR (very low density lipoprotein receptor; plus strand). Cytogenetic location: 9p24.2.
Variant type: single nucleotide variant.
Coding change: c.1646T>A on transcript NM_003383.5 (MANE Select); coding-DNA position 1646, T replaced by A.
Protein change: p.Phe549Tyr; replaces phenylalanine 549 with tyrosine.
Molecular consequence: missense variant.
Genome position (GRCh38, 1-based): chr9:2,646,495, T>A. VCF-style: chr9-2646495-T-A. GRCh37 (hg19) VCF-style: chr9-2646495-T-A.
Other names: c.1646T>A, p.Phe549Tyr (NM_001018056.3); c.1523T>A, p.Phe508Tyr (NM_001322225.2, NM_001322226.2); short protein forms F508Y, F549Y.
Identifiers: ClinVar variation 1334317 (VCV001334317.4), dbSNP rs370936675, ClinGen allele CA4964893.

ClinVar aggregate classification (germline): Uncertain significance. Review status: criteria provided, multiple submitters, no conflicts (2 of 4 stars). 3 submissions from 3 submitters: Uncertain significance (3). Last evaluated 2025-06-16.

Conditions:
Inborn genetic diseases. Identifiers: MedGen C0950123, MeSH D030342.

Allele frequency attached by ClinVar (database versions not stated): gnomAD exomes 0.00001 and 0.00004; ExAC 0.00006; ESP Exome Variant Server 0.00008; gnomAD 0.00011 and 0.00012; TOPMed 0.00020.
gnomAD v4.1: 30 of 1,614,008 alleles (0.0019%); highest among the groups gnomAD compares: African/African-American, 0.031%; no homozygotes.

Submissions (3):

Ambry Genetics
Classification: Uncertain significance for Inborn genetic diseases. Last evaluated: 2025-06-16. Review status: criteria provided, single submitter. Criteria: Ambry Variant Classification Scheme 2023. Collection method: clinical testing. Allele origin: germline.

Labcorp Genetics (formerly Invitae), Labcorp
Classification: Uncertain significance. Last evaluated: 2022-09-27. Review status: criteria provided, single submitter. Criteria: Invitae Variant Classification Sherloc (09022015). Collection method: clinical testing. Allele origin: germline.
Comment: This sequence change replaces phenylalanine, which is neutral and non-polar, with tyrosine, which is neutral and polar, at codon 549 of the VLDLR protein (p.Phe549Tyr). This variant is present in population databases (rs370936675, gnomAD 0.05%). This variant has not been reported in the literature in individuals affected with VLDLR-related conditions. ClinVar contains an entry for this variant (Variation ID: 1334317). Advanced modeling of protein sequence and biophysical properties (such as structural, functional, and spatial information, amino acid conservation, physicochemical variation, residue mobility, and thermodynamic stability) performed at Invitae indicates that this missense variant is not expected to disrupt VLDLR protein function. In summary, the available evidence is currently insufficient to determine the role of this variant in disease. Therefore, it has been classified as a Variant of Uncertain Significance.

GeneDx
Classification: Uncertain significance. Last evaluated: 2022-01-10. Review status: criteria provided, single submitter. Criteria: GeneDx Variant Classification Process June 2021. Collection method: clinical testing. Allele origin: germline. Affected: yes.
Comment: In silico analysis, which includes protein predictors and evolutionary conservation, supports that this variant does not alter protein structure/function; Has not been previously published as pathogenic or benign to our knowledge